The following is an entry in ClinVar:

ClinVar aggregate classification (germline): Likely benign. Review status: criteria provided, multiple submitters, no conflicts (2 of 4 stars). 3 submissions from 3 submitters: Likely benign (3). Last evaluated 2026-01-07.

Conditions:
MERTK-related disorder. Also called: MERTK-related condition.

Allele frequency attached by ClinVar (database versions not stated): gnomAD exomes 0.00009 and 0.00014; 1000 Genomes Project 30x 0.00016; ExAC 0.00016; 1000 Genomes Project 0.00020; gnomAD 0.00044 and 0.00049; TOPMed 0.00060; ESP Exome Variant Server 0.00085.
gnomAD v4.1: 202 of 1,614,162 alleles (0.013%); highest among the groups gnomAD compares: African/African-American, 0.2%; no homozygotes.

Submissions (3):

Labcorp Genetics (formerly Invitae), Labcorp
Classification: Likely benign. Last evaluated: 2026-01-07. Review status: criteria provided, single submitter. Criteria: Invitae Variant Classification Sherloc (09022015). Collection method: clinical testing. Allele origin: germline.

PreventionGenetics, part of Exact Sciences
Classification: Likely benign for MERTK-related condition. Last evaluated: 2025-09-18. Review status: criteria provided, single submitter. Criteria: ACMG Guidelines, 2015. Collection method: clinical testing. Allele origin: germline.
Comment: This variant is classified as likely benign based on ACMG/AMP sequence variant interpretation guidelines (Richards et al. 2015 PMID: 25741868, with internal and published modifications).

Blueprint Genetics
Classification: Likely benign. Last evaluated: 2024-05-13. Review status: criteria provided, single submitter. Criteria: ACMG Guidelines, 2015. Collection method: clinical testing. Allele origin: germline.

NM_006343.3(MERTK):c.1275G>A (p.Val425=)

Gene: MERTK (MER proto-oncogene, tyrosine kinase; plus strand). Cytogenetic location: 2q13.
Variant type: single nucleotide variant.
Coding change: c.1275G>A on transcript NM_006343.3 (MANE Select); coding-DNA position 1275, G replaced by A.
Protein change: p.Val425=; no amino-acid change (valine 425 retained).
Molecular consequence: synonymous variant.
Genome position (GRCh38, 1-based): chr2:111,982,972, G>A. VCF-style: chr2-111982972-G-A. GRCh37 (hg19) VCF-style: chr2-112740549-G-A.
Other names: c.1275G>A (NM_006343.2).
Identifiers: ClinVar variation 1140914 (VCV001140914.11), dbSNP rs144708969, ClinGen allele CA1831313.